The following is an entry in ClinVar:

ClinVar aggregate classification (germline): Uncertain significance (1 of 4 stars; one submission).

Allele frequency attached by ClinVar (database versions not stated): gnomAD 0.00001; TOPMed 0.00001.
gnomAD v4.1: 9 of 1,170,652 alleles (0.00077%); highest among the groups gnomAD compares: Non-Finnish European, 0.00097%; no homozygotes.

Submission:

Labcorp Genetics (formerly Invitae), Labcorp
Classification: Uncertain significance. Last evaluated: 2023-01-15. Review status: criteria provided, single submitter. Criteria: Invitae Variant Classification Sherloc (09022015). Collection method: clinical testing. Allele origin: germline.
Comment: In summary, the available evidence is currently insufficient to determine the role of this variant in disease. Therefore, it has been classified as a Variant of Uncertain Significance. Algorithms developed to predict the effect of missense changes on protein structure and function (SIFT, PolyPhen-2, Align-GVGD) all suggest that this variant is likely to be tolerated. This variant has not been reported in the literature in individuals affected with PACS2-related conditions. This variant is present in population databases (no rsID available, gnomAD 0.004%). This sequence change replaces proline, which is neutral and non-polar, with leucine, which is neutral and non-polar, at codon 10 of the PACS2 protein (p.Pro10Leu).

NM_001100913.3(PACS2):c.29C>T (p.Pro10Leu)

Genes: BRF1 (BRF1 general transcription factor IIIB subunit; minus strand), PACS2 (phosphofurin acidic cluster sorting protein 2; plus strand). Cytogenetic location: 14q32.33.
Variant type: single nucleotide variant.
Coding change: c.29C>T on transcript NM_001100913.3 (MANE Select); coding-DNA position 29, C replaced by T.
Protein change: p.Pro10Leu; replaces proline 10 with leucine.
Molecular consequence: missense variant. On other transcripts: intron variant (4).
Genome position (GRCh38, 1-based): chr14:105,314,947, C>T. VCF-style: chr14-105314947-C-T. GRCh37 (hg19) VCF-style: chr14-105781284-C-T.
Other names: c.29C>T, p.Pro10Leu (NM_015197.4); c.-162+375G>A (NM_001440451.1, NM_001242787.2, NM_001242786.2); c.-83+13968C>T (NM_001243127.3); short protein forms P10L.
Identifiers: ClinVar variation 3005989 (VCV003005989.3), dbSNP rs1331076250, ClinGen allele CA391191440.